The following is an entry in ClinVar:

NM_000077.5(CDKN2A):c.213C>A (p.Asn71Lys)

Gene: CDKN2A (cyclin dependent kinase inhibitor 2A; minus strand). Cytogenetic location: 9p21.3.
Variant type: single nucleotide variant.
Coding change: c.213C>A on transcript NM_000077.5; coding-DNA position 213, C replaced by A.
Protein change: p.Asn71Lys; replaces asparagine 71 with lysine.
Molecular consequence: missense variant (on NM_000077.6). On other transcripts: 3 prime UTR variant (1).
Genome position (GRCh38, 1-based): chr9:21,971,146, G>T on the plus strand (C>A on the coding strand, the complement: CDKN2A is on the minus strand). VCF-style: chr9-21971146-G-T. GRCh37 (hg19) VCF-style: chr9-21971145-G-T.
Other names: c.213C>A, p.Asn71Lys (NM_000077.6, NM_001195132.2); c.60C>A, p.Asn20Lys (NM_001363763.2); c.256C>A, p.Leu86Met (NM_058195.4); c.*136C>A (NM_058197.5); short protein forms L86M, N20K, N71K.
Identifiers: ClinVar variation 1786538 (VCV001786538.3), dbSNP rs2131095688, ClinGen allele CA373086317.

ClinVar aggregate classification (germline): Likely pathogenic. Review status: criteria provided, multiple submitters, no conflicts (2 of 4 stars). 2 submissions from 2 submitters: Likely pathogenic (2). Last evaluated 2024-11-13.

Conditions:
Hereditary cancer-predisposing syndrome. Also called: Hereditary Cancer Syndrome; Hereditary neoplastic syndrome; Neoplastic Syndromes, Hereditary; Tumor predisposition. Identifiers: Orphanet 140162, MedGen C0027672, MeSH D009386, MONDO:0015356.
Melanoma-pancreatic cancer syndrome. Identifiers: Orphanet 404560, MedGen C1838547, MONDO:0011713, OMIM 606719. Disease mechanism: loss of function.

Submissions (2):

Myriad Genetics, Inc.
Classification: Likely pathogenic for Melanoma-pancreatic cancer syndrome. Last evaluated: 2024-11-13. Review status: criteria provided, single submitter. Criteria: Myriad Autosomal Dominant, Autosomal Recessive and X-Linked Classification Criteria (2023). Collection method: clinical testing. Allele origin: unknown.
Comment: This variant is considered likely pathogenic. This variant has been reported in multiple individuals with clinical features of gene-specific disease [PMID: 9425228, 22841127, 29110637, 11518711]. Functional studies indicate this variant impacts protein function [PMID: 20340136, 11518711].

Ambry Genetics
Classification: Likely pathogenic for Hereditary cancer-predisposing syndrome. Last evaluated: 2021-06-29. Review status: criteria provided, single submitter. Criteria: Ambry Variant Classification Scheme 2023. Collection method: clinical testing. Allele origin: germline.
Comment: The p.N71K variant (also known as c.213C>A), located in coding exon 2 of the CDKN2A gene, results from a C to A substitution at nucleotide position 213. The asparagine at codon 71 is replaced by lysine, an amino acid with similar properties. This amino acid position is highly conserved in available vertebrate species. This alteration has been reported in multiple familial melanoma families (Soufir N et al. Hum Mol Genet, 1998 Feb;7:209-16; Maubec E et al. J Am Acad Dermatol, 2012 Dec;67:1257-64). It has also been reported in an individual affected with four primary melanomas in addition to multiple myeloma, breast and lung cancers, whose son also had a personal history of melanoma (Shah V et al. BMC Cancer, 2017 Nov;17:718). This alteration has demonstrated reduced CDK4 binding in multiple studies (Rizos H et al. J Biol Chem, 2001 Nov;276:41424-34; Miller PJ et al. Hum Mutat, 2011 Aug;32:900-11), with both CDK4 and CDK6 binding reduced in one study (McKenzie HA et al. Hum Mutat, 2010 Jun;31:692-701). In McKenzie et al. this alteration showed S-phase inhibition similar to wildtype, while G1-arrest was reduced by about 40% in Rizos et al. Another alteration at the same codon, p.N71S (c.212A>G), has been reported in melanoma families (Della Torre G et al. Br. J. Cancer, 2001 Sep;85:836-44; Goldstein AM et al. Cancer Epidemiol. Biomarkers Prev. 2000 Sep; 9(9):889-94, Hussussian CJ et al. Nat. Genet. 1994 Sep; 8(1):15-21), and has demonstrated abnormal function across multiple studies (Ranade K et al. Nat. Genet. 1995 May; 10(1):114-6, Walker GJ et al. Int. J. Cancer 1999 Jul;82(2):305-12, Yarbrough WG et al. J. Natl. Cancer Inst. 1999 Sep; 91(18):1569-74, McKenzie HA et al. Hum. Mutat. 2010 Jun; 31(6):692-701; Miller PJ et al. Hum. Mutat. 2011 Aug; 32(8):900-11). In addition, the p.N71K alteration is predicted to be tolerated by in silico analysis. Based on the majority of available evidence to date, this variant is likely to be pathogenic.

Literature cited by the submitters: PubMed 9425228 (cited by Myriad Genetics, Inc. and Ambry Genetics); PubMed 22841127 (cited by Myriad Genetics, Inc. and Ambry Genetics); PubMed 29110637 (cited by Myriad Genetics, Inc. and Ambry Genetics); PubMed 11518711 (cited by Myriad Genetics, Inc. and Ambry Genetics); PubMed 20340136 (cited by Myriad Genetics, Inc. and Ambry Genetics); PubMed 21462282 (cited by Ambry Genetics); PubMed 33766116 (cited by Ambry Genetics).